The following is an entry in ClinVar:

ClinVar aggregate classification (germline): Conflicting classifications of pathogenicity. Review status: criteria provided, conflicting classifications (1 of 4 stars). 2 submissions from 2 submitters: Uncertain significance (1); Likely benign (1). Last evaluated 2025-12-09.

Conditions:
Chromosome 2q32-q33 deletion syndrome (GLASS). Also called: Glass syndrome; 2q33.1 deletion syndrome. Identifiers: Orphanet 251019, MedGen C2676739, MONDO:0012864, OMIM 612313.
Inborn genetic diseases. Identifiers: MedGen C0950123, MeSH D030342.

Submissions (2):

Ambry Genetics
Classification: Likely benign for Inborn genetic diseases. Last evaluated: 2025-12-09. Review status: criteria provided, single submitter. Criteria: Ambry Variant Classification Scheme 2023. Collection method: clinical testing. Allele origin: germline.

Labcorp Genetics (formerly Invitae), Labcorp
Classification: Uncertain significance for Chromosome 2q32-q33 deletion syndrome. Last evaluated: 2025-04-21. Review status: criteria provided, single submitter. Criteria: Invitae Variant Classification Sherloc (09022015). Collection method: clinical testing. Allele origin: germline.
Comment: This sequence change replaces alanine, which is neutral and non-polar, with threonine, which is neutral and polar, at codon 43 of the SATB2 protein (p.Ala43Thr). The frequency data for this variant in the population databases is considered unreliable, as metrics indicate poor data quality at this position in the gnomAD database. This variant has not been reported in the literature in individuals affected with SATB2-related conditions. Invitae Evidence Modeling of protein sequence and biophysical properties (such as structural, functional, and spatial information, amino acid conservation, physicochemical variation, residue mobility, and thermodynamic stability) indicates that this missense variant is not expected to disrupt SATB2 protein function with a negative predictive value of 80%. In summary, the available evidence is currently insufficient to determine the role of this variant in disease. Therefore, it has been classified as a Variant of Uncertain Significance.

NM_001172509.2(SATB2):c.127G>A (p.Ala43Thr)

Gene: SATB2 (SATB homeobox 2; minus strand). Cytogenetic location: 2q33.1.
Variant type: single nucleotide variant.
Coding change: c.127G>A on transcript NM_001172509.2 (MANE Select); coding-DNA position 127, G replaced by A.
Protein change: p.Ala43Thr; replaces alanine 43 with threonine.
Molecular consequence: missense variant. On other transcripts: non-coding transcript variant (1).
Genome position (GRCh38, 1-based): chr2:199,455,911, C>T on the plus strand (G>A on the coding strand, the complement: SATB2 is on the minus strand). VCF-style: chr2-199455911-C-T. GRCh37 (hg19) VCF-style: chr2-200320634-C-T.
Other names: c.127G>A, p.Ala43Thr (NM_001172517.1, NM_015265.4); short protein forms A43T.
Identifiers: ClinVar variation 4630215 (VCV004630215.2).